The following is an entry in ClinVar:

ClinVar aggregate classification (germline): Benign. Review status: criteria provided, multiple submitters, no conflicts (2 of 4 stars). 3 submissions from 3 submitters: Benign (2). 1 of the submissions does not count toward it. Last evaluated 2026-01-19.

Conditions:
NAXD-related disorder. Also called: NAXD-related condition.

Allele frequency attached by ClinVar (database versions not stated): gnomAD exomes 0.00071 and 0.00164; gnomAD 0.00847 and 0.00905; ExAC 0.00856; 1000 Genomes Project 0.00919; TOPMed 0.00969; ESP Exome Variant Server 0.00979; 1000 Genomes Project 30x 0.00999.
gnomAD v4.1: 2,320 of 1,515,588 alleles (0.15%); highest among the groups gnomAD compares: African/African-American, 3%; 41 homozygotes.

Submissions (6):

Labcorp Genetics (formerly Invitae), Labcorp
Classification: Benign. Last evaluated: 2026-01-19. Review status: criteria provided, single submitter. Criteria: Invitae Variant Classification Sherloc (09022015). Collection method: clinical testing. Allele origin: germline.

Breakthrough Genomics
Classification: Benign. Review status: criteria provided, single submitter. Criteria: ACMG Guidelines, 2015. Collection method: not provided. Allele origin: germline. Inheritance: Autosomal recessive inheritance. Affected: yes.

PreventionGenetics, part of Exact Sciences
Classification: Benign for NAXD-related condition. Last evaluated: 2019-09-25. Review status: no assertion criteria provided. Collection method: clinical testing. Allele origin: germline. Not counted in ClinVar's aggregate classification.
Comment: This variant is classified as benign based on ACMG/AMP sequence variant interpretation guidelines (Richards et al. 2015 PMID: 25741868, with internal and published modifications).

Dr. Peter K. Rogan Lab, Western University
No classification provided (evidence only). Condition: Cervical cancer. Review status: no classification provided. Collection method: in vitro. Allele origin: not applicable. Functional consequence: retained intron. Not counted in ClinVar's aggregate classification.

Dr. Peter K. Rogan Lab, Western University
No classification provided (evidence only). Condition: Ovarian serous cystadenocarcinoma. Review status: no classification provided. Collection method: in vitro. Allele origin: not applicable. Functional consequence: retained intron. Not counted in ClinVar's aggregate classification.

Dr. Peter K. Rogan Lab, Western University
No classification provided (evidence only). Condition: Malignant tumor of esophagus. Review status: no classification provided. Collection method: in vitro. Allele origin: not applicable. Functional consequence: retained intron. Not counted in ClinVar's aggregate classification.

NM_001242882.2(NAXD):c.46+66C>T

Genes: NAXD (NAD(P)HX dehydratase; plus strand), NAXD-AS1 (NAXD antisense RNA 1; minus strand). Cytogenetic location: 13q34.
Variant type: single nucleotide variant.
Coding change: c.46+66C>T on transcript NM_001242882.2 (MANE Select); 66 bases into the intron after coding-DNA position 46, C replaced by T.
Molecular consequence: intron variant. On other transcripts: synonymous variant (2).
Genome position (GRCh38, 1-based): chr13:110,615,713, C>T. VCF-style: chr13-110615713-C-T. GRCh37 (hg19) VCF-style: chr13-111268060-C-T.
Other names: c.39C>T, p.Gly13= (NM_001242881.2, NM_018210.4); c.56+66C>T (NM_001242883.2); c.39C>T (NM_018210.3).
Identifiers: ClinVar variation 1165481 (VCV001165481.13), dbSNP rs35134894, ClinGen allele CA7051001.
Genomic context (GRCh38, chr13:110,615,713, plus strand): 5'-GTCGATTCCATTTGGCCCGGGGATGGTCACACGCGCGGGGGCCGGAACTGCCGTCGCCGG[C>T]GCGGTCGTTGTCGCATTGCTCTCGGCCGCACTCGCGCTGTACGGGCCGCCACTGGACGCA-3'